The following is an entry in ClinVar:

ClinVar aggregate classification (germline): Uncertain significance. Review status: criteria provided, multiple submitters, no conflicts (2 of 4 stars). 2 submissions from 2 submitters: Uncertain significance (2). Last evaluated 2025-10-13.

Submissions (2):

Labcorp Genetics (formerly Invitae), Labcorp
Classification: Uncertain significance. Last evaluated: 2025-10-13. Review status: criteria provided, single submitter. Criteria: Invitae Variant Classification Sherloc (09022015). Collection method: clinical testing. Allele origin: germline.
Comment: This sequence change replaces tyrosine, which is neutral and polar, with asparagine, which is neutral and polar, at codon 81 of the CLIC5 protein (p.Tyr81Asn). This variant is not present in population databases (gnomAD no frequency). This variant has not been reported in the literature in individuals affected with CLIC5-related conditions. ClinVar contains an entry for this variant (Variation ID: 2880549). An algorithm developed to predict the effect of missense changes on protein structure and function (PolyPhen-2) suggests that this variant is likely to be tolerated. In summary, the available evidence is currently insufficient to determine the role of this variant in disease. Therefore, it has been classified as a Variant of Uncertain Significance.

Blueprint Genetics
Classification: Uncertain significance. Last evaluated: 2018-10-31. Review status: criteria provided, single submitter. Criteria: ACMG Guidelines, 2015. Collection method: clinical testing. Allele origin: germline.

NC_000006.12:g.46080002A>T

Gene: CLIC5 (CLIC family member 5; minus strand). Cytogenetic location: 6p21.1.
Variant type: single nucleotide variant.
Molecular consequence: missense variant (on NM_001114086.2). On other transcripts: intron variant (1).
Genome position: GRCh38 VCF-style: chr6-46080002-A-T. GRCh37 (hg19) VCF-style: chr6-46047739-A-T.
Other names: c.241T>A, p.Tyr81Asn (NM_001114086.2, NM_001370650.1); c.-55+49502T>A (NM_001370649.1); short protein forms Y81N.
Identifiers: ClinVar variation 2880549 (VCV002880549.4), dbSNP rs2532999815, ClinGen allele CA363965504.